The following is an entry in ClinVar:

NM_018685.5(ANLN):c.1271C>T (p.Ala424Val)

Gene: ANLN (anillin, actin binding protein; plus strand). Cytogenetic location: 7p14.2.
Variant type: single nucleotide variant.
Coding change: c.1271C>T on transcript NM_018685.5 (MANE Select); coding-DNA position 1271, C replaced by T.
Protein change: p.Ala424Val; replaces alanine 424 with valine.
Molecular consequence: missense variant.
Genome position (GRCh38, 1-based): chr7:36,410,688, C>T. VCF-style: chr7-36410688-C-T. GRCh37 (hg19) VCF-style: chr7-36450297-C-T.
Other names: p.Ala424Val; c.1271C>T, p.Ala424Val (NM_001284301.3, NM_001284302.3); short protein forms A424V.
Identifiers: ClinVar variation 3379748 (VCV003379748.1).

ClinVar aggregate classification (germline): Uncertain significance (1 of 4 stars; one submission).

gnomAD v4.1: 3 of 1,613,716 alleles (0.00019%); highest among the groups gnomAD compares: African/African-American, 0.0013%; no homozygotes.

Submission:

Mayo Clinic Laboratories, Mayo Clinic
Classification: Uncertain significance. Last evaluated: 2024-04-18. Review status: criteria provided, single submitter. Criteria: ACMG Guidelines, 2015. Collection method: clinical testing. Allele origin: germline. Observed: 1 variant allele.
Comment: BP4